The following is an entry in ClinVar:

NM_001023570.4(IQCB1):c.1381C>T (p.Arg461Ter)

Gene: IQCB1 (IQ motif containing B1; minus strand). Cytogenetic location: 3q13.33.
Variant type: single nucleotide variant.
Coding change: c.1381C>T on transcript NM_001023570.4 (MANE Select); coding-DNA position 1381, C replaced by T.
Protein change: p.Arg461Ter; replaces arginine 461 with a stop codon.
Molecular consequence: nonsense. On other transcripts: non-coding transcript variant (1).
Genome position (GRCh38, 1-based): chr3:121,781,772, G>A on the plus strand (C>T on the coding strand, the complement: IQCB1 is on the minus strand). VCF-style: chr3-121781772-G-A. GRCh37 (hg19) VCF-style: chr3-121500619-G-A.
Other names: c.1381C>T (NM_001023570.3); c.982C>T, p.Arg328Ter (NM_001023571.4); c.1381C>T, p.Arg461Ter (NM_001319107.2); short protein forms R461*, R328*.
Identifiers: ClinVar variation 1830 (VCV000001830.32), dbSNP rs121918244, ClinGen allele CA115214.

ClinVar aggregate classification (germline): Pathogenic. Review status: criteria provided, multiple submitters, no conflicts (2 of 4 stars). 12 submissions from 12 submitters: Pathogenic (8). 4 of the submissions do not count toward it. Last evaluated 2026-06-29.

Conditions:
IQCB1-related disorder. Also called: IQCB1-related condition.
Inborn genetic diseases. Identifiers: MedGen C0950123, MeSH D030342.
Nephronophthisis. Also called: Juvenile Nephronophthisis. Identifiers: Orphanet 655, MedGen C0687120, MONDO:0019005, HP:0000090.
Retinal dystrophy. Also called: Inherited retinal dystrophy. Identifiers: Orphanet 71862, MedGen C0854723, MeSH D058499, MONDO:0019118, HP:0000556.
Renal dysplasia and retinal aplasia (SLSN). Also called: Senior-Loken syndrome. Identifiers: Orphanet 3156, MedGen C0403553, MONDO:0017842.
Senior-Loken syndrome 5 (SLSN5). Identifiers: Orphanet 3156, MedGen C1836517, MONDO:0012225, OMIM 609254.

Allele frequency attached by ClinVar (database versions not stated): ExAC 0.00006; gnomAD exomes 0.00007; gnomAD 0.00011; 1000 Genomes Project 30x 0.00016; TOPMed 0.00017; 1000 Genomes Project 0.00020.
gnomAD v4.1: 83 of 1,613,482 alleles (0.0051%); highest among the groups gnomAD compares: Admixed American, 0.0083%; no homozygotes.

Submissions (12):

PreventionGenetics, part of Exact Sciences
Classification: Pathogenic for IQCB1-related condition. Last evaluated: 2026-06-29. Review status: criteria provided, single submitter. Criteria: ACMG Guidelines, 2015. Collection method: clinical testing. Allele origin: germline.
Comment: The IQCB1 c.1381C>T variant is predicted to result in premature protein termination (p.Arg461*). This variant has been reported many times in homozygous and compound heterozygous states in multiple individuals with Senior-Loken syndrome, Leber congenital amaurosis, and/or other retinal diseases (see for examples: Otto et al. 2005. PubMed ID: 15723066; Estrada-Cuzcano et al. 2011. PubMed ID: 20881296; Table S1, Stone et al. 2017. PubMed ID: 28559085; Table S1, Lin et al. 2024. PubMed ID: 38219857). This variant is reported in 0.15% of alleles in individuals of Ashkenazi Jewish descent in gnomAD. Nonsense variants in IQCB1 are an established mechanism of disease. This variant is interpreted as pathogenic.

Labcorp Genetics (formerly Invitae), Labcorp
Classification: Pathogenic for Nephronophthisis. Last evaluated: 2025-07-29. Review status: criteria provided, single submitter. Criteria: Invitae Variant Classification Sherloc (09022015). Collection method: clinical testing. Allele origin: germline.
Comment: This sequence change creates a premature translational stop signal (p.Arg461*) in the IQCB1 gene. It is expected to result in an absent or disrupted protein product. Loss-of-function variants in IQCB1 are known to be pathogenic (PMID: 15723066, 21901789, 23559409, 28041643). The frequency data for this variant in the population databases is considered unreliable, as metrics indicate poor data quality at this position in the gnomAD database. This premature translational stop signal has been observed in individuals with Leber congenital amaurosis and/or Senior-Loken syndrome (PMID: 15723066, 20881296, 21220633, 21245082, 21866095, 23188109, 23847139, 24625443). ClinVar contains an entry for this variant (Variation ID: 1830). For these reasons, this variant has been classified as Pathogenic.

Blueprint Genetics
Classification: Pathogenic for IQCB1-related disorders. Last evaluated: 2024-08-16. Review status: criteria provided, single submitter. Criteria: ACMG Guidelines, 2015. Collection method: clinical testing. Allele origin: germline. Affected: yes. Observed: 5 variant alleles.

Genomic Medicine Center of Excellence, King Faisal Specialist Hospital and Research Centre
Classification: Pathogenic for Senior-Loken syndrome 5. Last evaluated: 2024-04-04. Review status: criteria provided, single submitter. Criteria: ACMG Guidelines, 2015. Collection method: clinical testing. Allele origin: germline.

Fulgent Genetics
Classification: Pathogenic for Senior-Loken syndrome 5. Last evaluated: 2024-03-26. Review status: criteria provided, single submitter. Criteria: ACMG Guidelines, 2015. Collection method: clinical testing. Allele origin: germline.

Ambry Genetics
Classification: Pathogenic for Inborn genetic diseases. Last evaluated: 2023-07-25. Review status: criteria provided, single submitter. Criteria: Ambry Variant Classification Scheme 2023. Collection method: clinical testing. Allele origin: germline.
Comment: The c.1381C>T (p.R461*) alteration, located in exon 13 (coding exon 11) of the IQCB1 gene, consists of a C to T substitution at nucleotide position 1381. This changes the amino acid from a arginine (R) to a stop codon at amino acid position 461. This alteration is expected to result in loss of function by premature protein truncation or nonsense-mediated mRNA decay. Based on data from gnomAD, the T allele has an overall frequency of 0.006% (18/282708) total alleles studied. The highest observed frequency was 0.154% (16/10370) of Ashkenazi Jewish alleles. This variant has been reported homozygous or compound heterozygous in multiple individuals with features consistent with IQCB1-related Senior-Loken syndrome (Otto, 2005; Otto, 2008; Chaki, 2011; Cideciyan, 2011; Estrada-Cuzcano, 2011; Stone, 2011; Halbritter, 2012; Coppieters, 2014; Wang, 2013; Rishi, 2021). One functional study has demonstrated that p.R461* disrupts protein-protein interactions with Cep290, causes mislocalization, and inhibits cilia formation in cells (Barbelanne, 2013). Based on the available evidence, this alteration is classified as pathogenic.

GeneDx
Classification: Pathogenic. Last evaluated: 2022-12-15. Review status: criteria provided, single submitter. Criteria: GeneDx Variant Classification Process June 2021. Collection method: clinical testing. Allele origin: germline. Affected: yes.
Comment: Published functional studies demonstrate the mutant protein is incompetent in binding to Cep290, mislocalized, and unable to rescue ciliogenesis (Barbelanne et al., 2013); Nonsense variant predicted to result in protein truncation or nonsense mediated decay in a gene for which loss-of-function is a known mechanism of disease; This variant is associated with the following publications: (PMID: 21866095, 25525159, 30586318, 23446637, 15723066, 21220633, 23847139, 31456290, 32581362, 33512896, 31589614, 36426739, 33535056, 28041643, 20881296, 28559085)

Eurofins Ntd Llc (ga)
Classification: Pathogenic. Last evaluated: 2013-06-21. Review status: criteria provided, single submitter. Criteria: EGL Classification Definitions. Collection method: clinical testing. Allele origin: germline. Observed: 1 variant allele, 1 heterozygote.

Sharon lab, Hadassah-Hebrew University Medical Center
Classification: Pathogenic for Senior Loken syndrome. Last evaluated: 2019-06-23. Review status: no assertion criteria provided. Collection method: research. Allele origin: inherited. Affected: yes. Not counted in ClinVar's aggregate classification.

Gharavi Laboratory, Columbia University
Classification: Pathogenic. Last evaluated: 2018-09-16. Review status: no assertion criteria provided. Criteria: ACMG Guidelines, 2015. Collection method: research. Allele origin: germline. Affected: yes. Not counted in ClinVar's aggregate classification.

NIHR Bioresource Rare Diseases, University of Cambridge
Classification: Pathogenic for Retinal dystrophy. Last evaluated: 2015-01-01. Review status: no assertion criteria provided. Collection method: research. Allele origin: unknown. Affected: yes. Observed: 1 variant allele. Not counted in ClinVar's aggregate classification.

OMIM
Classification: Pathogenic for SENIOR-LOKEN SYNDROME 5. Last evaluated: 2011-02-11. Review status: no assertion criteria provided. Collection method: literature only. Allele origin: germline. Not counted in ClinVar's aggregate classification.

Literature cited by the submitters: PubMed 15723066 (cited by 4 submitters); PubMed 21901789 (cited by Labcorp Genetics (formerly Invitae), Labcorp); PubMed 23559409 (cited by Labcorp Genetics (formerly Invitae), Labcorp); PubMed 28041643 (cited by Labcorp Genetics (formerly Invitae), Labcorp and NIHR Bioresource Rare Diseases, University of Cambridge); PubMed 20881296 (cited by 3 submitters); PubMed 21220633 (cited by 3 submitters); PubMed 21245082 (cited by Labcorp Genetics (formerly Invitae), Labcorp and Ambry Genetics); PubMed 21866095 (cited by Labcorp Genetics (formerly Invitae), Labcorp and Ambry Genetics); PubMed 23188109 (cited by Labcorp Genetics (formerly Invitae), Labcorp and Ambry Genetics); PubMed 23847139 (cited by Labcorp Genetics (formerly Invitae), Labcorp and Ambry Genetics); PubMed 24625443 (cited by Labcorp Genetics (formerly Invitae), Labcorp and Ambry Genetics); PubMed 18076122 (cited by Ambry Genetics); PubMed 23446637 (cited by Ambry Genetics); PubMed 33535056 (cited by Ambry Genetics).